The following is an entry in ClinVar:

ClinVar aggregate classification (germline): Uncertain significance. Review status: criteria provided, single submitter (1 of 4 stars). 2 submissions from 2 submitters: Uncertain significance (1). 1 of the submissions does not count toward it. Last evaluated 2021-12-12.

Conditions:
Joubert syndrome. Also called: CEREBELLOPARENCHYMAL DISORDER IV; JOUBERT-BOLTSHAUSER SYNDROME; Familial aplasia of the vermis. Identifiers: Orphanet 475, MedGen C5979921, MONDO:0018772.
Meckel-Gruber syndrome. Also called: DYSENCEPHALIA SPLANCHNOCYSTICA; GRUBER SYNDROME; Dysencephalia splachnocystica. Identifiers: Orphanet 564, MedGen C0265215, MONDO:0018921.

Allele frequency attached by ClinVar (database versions not stated): gnomAD exomes below 0.00001; ExAC 0.00001.

Submissions (2):

Labcorp Genetics (formerly Invitae), Labcorp
Classification: Uncertain significance for Joubert syndrome; Meckel-Gruber syndrome. Last evaluated: 2021-12-12. Review status: criteria provided, single submitter. Criteria: Invitae Variant Classification Sherloc (09022015). Collection method: clinical testing. Allele origin: germline.
Comment: This sequence change replaces glutamine, which is neutral and polar, with arginine, which is basic and polar, at codon 872 of the RPGRIP1L protein (p.Gln872Arg). This variant is not present in population databases (gnomAD no frequency). This variant has not been reported in the literature in individuals affected with RPGRIP1L-related conditions. Algorithms developed to predict the effect of missense changes on protein structure and function (SIFT, PolyPhen-2, Align-GVGD) all suggest that this variant is likely to be tolerated. In summary, the available evidence is currently insufficient to determine the role of this variant in disease. Therefore, it has been classified as a Variant of Uncertain Significance.

Natera, Inc.
Classification: Uncertain significance for Joubert syndrome. Last evaluated: 2025-04-27. Review status: no assertion criteria provided. Collection method: clinical testing. Allele origin: germline. Not counted in ClinVar's aggregate classification.

NM_015272.5(RPGRIP1L):c.2615A>G (p.Gln872Arg)

Gene: RPGRIP1L (RPGRIP1 like; minus strand). Cytogenetic location: 16q12.2.
Variant type: single nucleotide variant.
Coding change: c.2615A>G on transcript NM_015272.5 (MANE Select); coding-DNA position 2615, A replaced by G.
Protein change: p.Gln872Arg; replaces glutamine 872 with arginine.
Molecular consequence: missense variant.
Genome position (GRCh38, 1-based): chr16:53,645,693, T>C on the plus strand (A>G on the coding strand, the complement: RPGRIP1L is on the minus strand). VCF-style: chr16-53645693-T-C. GRCh37 (hg19) VCF-style: chr16-53679605-T-C.
Other names: c.2615A>G, p.Gln872Arg (NM_001127897.4, NM_001308334.3, NM_001330538.2); c.2615A>G (NM_015272.4); short protein forms Q872R.
Identifiers: ClinVar variation 1390178 (VCV001390178.4), dbSNP rs754997198, ClinGen allele CA8057515.